The following is an entry in ClinVar:

NM_001127511.3(APC):c.-134T>A

Gene: APC (APC regulator of Wnt signaling pathway; plus strand). Cytogenetic location: 5q22.2.
Variant type: single nucleotide variant.
Coding change: c.-134T>A on transcript NM_001127511.3; 134 bases upstream of the start codon, T replaced by A.
Molecular consequence: 5 prime UTR variant. On other transcripts: non-coding transcript variant (2).
Genome position (GRCh38, 1-based): chr5:112,707,584, T>A. VCF-style: chr5-112707584-T-A. GRCh37 (hg19) VCF-style: chr5-112043281-T-A.
Other names: c.-317T>A (NM_001354895.2, NM_001407447.1, NM_001407452.1 and 3 more transcripts); c.-134T>A (NM_001354897.2, NM_001354902.2, NM_001407446.1); c.-84T>A (NM_001407448.1, NM_001407450.1, NM_001407457.1 and 1 more transcripts); c.-108T>A (NM_001407453.1); c.-1352T>A (NM_001407470.1, NM_001407472.1).
Identifiers: ClinVar variation 537663 (VCV000537663.9), dbSNP rs963346102, ClinGen allele CA658796610.
Genomic context (GRCh38, chr5:112,707,584, plus strand): 5'-AGATGGCGGAGGGCAAGTAGCAAGGGGGCGGGGTGTGGCCGCCGGAAGCCTAGCCGCTGC[T>A]CGGGGGGGACCTGCGGGCTCAGGCCCGGGAGCTGCGGACCGAGGTTGGCTCGATGCTGTT-3'

ClinVar aggregate classification (germline): Uncertain significance (1 of 4 stars; one submission).

Conditions:
Familial adenomatous polyposis 1 (FAP1). Also called: FAMILIAL ADENOMATOUS POLYPOSIS 1, ATTENUATED; POLYPOSIS, ADENOMATOUS INTESTINAL. Identifiers: MedGen C2713442, MONDO:0021056, OMIM 175100. Disease mechanism: loss of function.

Submission:

Labcorp Genetics (formerly Invitae), Labcorp
Classification: Uncertain significance for Familial adenomatous polyposis 1. Last evaluated: 2023-03-22. Review status: criteria provided, single submitter. Criteria: Invitae Variant Classification Sherloc (09022015). Collection method: clinical testing. Allele origin: germline.
Comment: This variant occurs in a non-coding region of the APC gene. It does not change the encoded amino acid sequence of the APC protein. This variant is not present in population databases (gnomAD no frequency). This variant has not been reported in the literature in individuals affected with APC-related conditions. ClinVar contains an entry for this variant (Variation ID: 537663). Experimental studies and prediction algorithms are not available or were not evaluated, and the functional significance of this variant is currently unknown. In summary, the available evidence is currently insufficient to determine the role of this variant in disease. Therefore, it has been classified as a Variant of Uncertain Significance.